The following is an entry in ClinVar:

NM_001166114.2(PNPLA6):c.2936+2T>C

Gene: PNPLA6 (patatin like domain 6, lysophospholipase; plus strand). Cytogenetic location: 19p13.2.
Variant type: single nucleotide variant.
Coding change: c.2936+2T>C on transcript NM_001166114.2 (MANE Select); the canonical splice donor site of the intron after coding-DNA position 2936, T replaced by C.
Molecular consequence: splice donor variant.
Genome position (GRCh38, 1-based): chr19:7,555,369, T>C. VCF-style: chr19-7555369-T-C. GRCh37 (hg19) VCF-style: chr19-7620255-T-C.
Other names: c.2822+2T>C (NM_006702.5, NM_001166113.1); c.2741+2T>C (NM_001166112.2); c.2966+2T>C (NM_001166111.2).
Identifiers: ClinVar variation 2159821 (VCV002159821.7), dbSNP rs1382898672, ClinGen allele CA403131056.

ClinVar aggregate classification (germline): Likely pathogenic. Review status: criteria provided, multiple submitters, no conflicts (2 of 4 stars). 3 submissions from 3 submitters: Likely pathogenic (3). Last evaluated 2023-07-11.

Conditions:
PNPLA6-related disorder. Also called: PNPLA6-related disorders; PNPLA6-related condition.
Hereditary spastic paraplegia 39 (SPG39). Also called: SPASTIC PARAPLEGIA 39, AUTOSOMAL RECESSIVE; Spastic Paraplegia Type 39 (SPG39). Identifiers: Orphanet 139480, MedGen C2677586, MONDO:0012787, OMIM 612020.

Allele frequency attached by ClinVar (database versions not stated): TOPMed 0.00001.

Submissions (3):

Revvity Omics, Revvity
Classification: Likely pathogenic. Last evaluated: 2023-07-11. Review status: criteria provided, single submitter. Criteria: ACMG Guidelines, 2015. Collection method: clinical testing. Allele origin: germline.

Labcorp Genetics (formerly Invitae), Labcorp
Classification: Likely pathogenic for Hereditary spastic paraplegia 39. Last evaluated: 2022-05-13. Review status: criteria provided, single submitter. Criteria: Invitae Variant Classification Sherloc (09022015). Collection method: clinical testing. Allele origin: germline.
Comment: This sequence change affects a donor splice site in intron 26 of the PNPLA6 gene. It is expected to disrupt RNA splicing. Variants that disrupt the donor or acceptor splice site typically lead to a loss of protein function (PMID: 16199547), and loss-of-function variants in PNPLA6 are known to be pathogenic (PMID: 24355708). This variant is not present in population databases (gnomAD no frequency). This variant has not been reported in the literature in individuals affected with PNPLA6-related conditions. Algorithms developed to predict the effect of sequence changes on RNA splicing suggest that this variant may disrupt the consensus splice site. In summary, the currently available evidence indicates that the variant is pathogenic, but additional data are needed to prove that conclusively. Therefore, this variant has been classified as Likely Pathogenic.

Blueprint Genetics
Classification: Likely pathogenic for PNPLA6-related disorders. Last evaluated: 2021-11-11. Review status: criteria provided, single submitter. Criteria: ACMG Guidelines, 2015. Collection method: clinical testing. Allele origin: germline. Affected: yes. Observed: 1 variant allele.

Literature cited by the submitters: PubMed 16199547 (cited by Labcorp Genetics (formerly Invitae), Labcorp); PubMed 24355708 (cited by Labcorp Genetics (formerly Invitae), Labcorp).